The following is an entry in ClinVar:

NM_004525.3(LRP2):c.10300A>G (p.Asn3434Asp)

Gene: LRP2 (LDL receptor related protein 2; minus strand). Cytogenetic location: 2q31.1.
Variant type: single nucleotide variant.
Coding change: c.10300A>G on transcript NM_004525.3 (MANE Select); coding-DNA position 10300, A replaced by G.
Protein change: p.Asn3434Asp; replaces asparagine 3434 with aspartic acid.
Molecular consequence: missense variant.
Genome position (GRCh38, 1-based): chr2:169,177,896, T>C on the plus strand (A>G on the coding strand, the complement: LRP2 is on the minus strand). VCF-style: chr2-169177896-T-C. GRCh37 (hg19) VCF-style: chr2-170034406-T-C.
Other names: short protein forms N3434D.
Identifiers: ClinVar variation 2119350 (VCV002119350.1), dbSNP rs2545737549, ClinGen allele CA349149158.
Genomic context (GRCh38, chr2:169,177,896, plus strand): 5'-TGTCAAATGGTCTGTGTGTTGTGTTCACCAGTGTCTGTCTATTTGATCCATCATATTTGT[T>C]TCCCTTTTCCACTGTCCTTGTATTCCAATCTGTCCAATAAATAGTGTCTTCAAAAATGGT-3'
Protein context (NP_004516.2, residues 3424-3444): DWNTRTVEKG[Asn3434Asp]KYDGSNRQTL

ClinVar aggregate classification (germline): Uncertain significance (1 of 4 stars; one submission).

Submission:

Labcorp Genetics (formerly Invitae), Labcorp
Classification: Uncertain significance. Last evaluated: 2022-03-29. Review status: criteria provided, single submitter. Criteria: Invitae Variant Classification Sherloc (09022015). Collection method: clinical testing. Allele origin: germline.
Comment: This sequence change replaces asparagine, which is neutral and polar, with aspartic acid, which is acidic and polar, at codon 3434 of the LRP2 protein (p.Asn3434Asp). This variant is not present in population databases (gnomAD no frequency). This variant has not been reported in the literature in individuals affected with LRP2-related conditions. Advanced modeling of protein sequence and biophysical properties (such as structural, functional, and spatial information, amino acid conservation, physicochemical variation, residue mobility, and thermodynamic stability) performed at Invitae indicates that this missense variant is not expected to disrupt LRP2 protein function. In summary, the available evidence is currently insufficient to determine the role of this variant in disease. Therefore, it has been classified as a Variant of Uncertain Significance.